The following is an entry in ClinVar:

NM_001854.4(COL11A1):c.3637G>A (p.Gly1213Arg)

Gene: COL11A1 (collagen type XI alpha 1 chain; minus strand). Cytogenetic location: 1p21.1.
Variant type: single nucleotide variant.
Coding change: c.3637G>A on transcript NM_001854.4 (MANE Select); coding-DNA position 3637, G replaced by A.
Protein change: p.Gly1213Arg; replaces glycine 1213 with arginine.
Molecular consequence: missense variant. On other transcripts: non-coding transcript variant (1).
Genome position (GRCh38, 1-based): chr1:102,923,353, C>T on the plus strand (G>A on the coding strand, the complement: COL11A1 is on the minus strand). VCF-style: chr1-102923353-C-T. GRCh37 (hg19) VCF-style: chr1-103388909-C-T.
Other names: c.3520G>A, p.Gly1174Arg (NM_001190709.2); c.3673G>A, p.Gly1225Arg (NM_080629.3); c.3289G>A, p.Gly1097Arg (NM_080630.4); short protein forms G1097R, G1174R, G1213R, G1225R.
Identifiers: ClinVar variation 3658127 (VCV003658127.2).
Genomic context (GRCh38, chr1:102,923,353, plus strand): 5'-GCATATAACACATACCCATCAAACACCAAAAATAAAAACTTACCATGGGACCAACATCCC[C>T]ATTTTCACCTTTTTCACCAGGTGGGCCTGGCAGACCCTAAGAAAATATAATAGAAAAATA-3'
Protein context (NP_001845.3, residues 1203-1223): PGPPGEKGEN[Gly1213Arg]DVGPMGPPGP

ClinVar aggregate classification (germline): Uncertain significance (1 of 4 stars; one submission).

Submission:

Labcorp Genetics (formerly Invitae), Labcorp
Classification: Uncertain significance. Last evaluated: 2024-07-03. Review status: criteria provided, single submitter. Criteria: Invitae Variant Classification Sherloc (09022015). Collection method: clinical testing. Allele origin: germline.
Comment: This sequence change replaces glycine, which is neutral and non-polar, with arginine, which is basic and polar, at codon 1213 of the COL11A1 protein (p.Gly1213Arg). This variant is not present in population databases (gnomAD no frequency). This variant has not been reported in the literature in individuals affected with COL11A1-related conditions. Advanced modeling of protein sequence and biophysical properties (such as structural, functional, and spatial information, amino acid conservation, physicochemical variation, residue mobility, and thermodynamic stability) has been performed at Invitae for this missense variant, however the output from this modeling did not meet the statistical confidence thresholds required to predict the impact of this variant on COL11A1 protein function. In summary, the available evidence is currently insufficient to determine the role of this variant in disease. Therefore, it has been classified as a Variant of Uncertain Significance.